The following is an entry in ClinVar:

ClinVar aggregate classification (germline): Benign (1 of 4 stars; one submission).

Conditions:
Autosomal recessive congenital ichthyosis 6 (ARCI6). Identifiers: Orphanet 313, Orphanet 79394, MedGen C2677065, MONDO:0012847, OMIM 612281.

Allele frequency attached by ClinVar (database versions not stated): TOPMed 0.00788; 1000 Genomes Project 0.00958; 1000 Genomes Project 30x 0.01109.

Submission:

Illumina Laboratory Services, Illumina
Classification: Benign for Autosomal recessive congenital ichthyosis 6. Last evaluated: 2018-01-12. Review status: criteria provided, single submitter. Criteria: ICSL Variant Classification Criteria 13 December 2019. Collection method: clinical testing. Allele origin: germline.
Comment: This variant was observed in the ICSL laboratory as part of a predisposition screen in an ostensibly healthy population. It had not been previously curated by ICSL or reported in the Human Gene Mutation Database (HGMD: prior to June 1st, 2018), and was therefore a candidate for classification through an automated scoring system. Utilizing variant allele frequency, disease prevalence and penetrance estimates, and inheritance mode, an automated score was calculated to assess if this variant is too frequent to cause the disease. Based on the score and internal cut-off values, a variant classified as benign is not then subjected to further curation. The score for this variant resulted in a classification of benign for this disease.

NM_001099287.2(NIPAL4):c.*804T>A

Gene: NIPAL4 (NIPA like domain containing 4; plus strand). Cytogenetic location: 5q33.3.
Variant type: single nucleotide variant.
Coding change: c.*804T>A on transcript NM_001099287.2 (MANE Select); 804 bases downstream of the stop codon, T replaced by A.
Molecular consequence: 3 prime UTR variant.
Genome position (GRCh38, 1-based): chr5:157,473,764, T>A. VCF-style: chr5-157473764-T-A. GRCh37 (hg19) VCF-style: chr5-156900772-T-A.
Other names: c.*804T>A (NM_001172292.2).
Identifiers: ClinVar variation 906380 (VCV000906380.4), dbSNP rs80315032, ClinGen allele CA130151239.